The following is an entry in ClinVar:

ClinVar aggregate classification (germline): Uncertain significance (1 of 4 stars; one submission).

Allele frequency attached by ClinVar (database versions not stated): gnomAD exomes below 0.00001; TOPMed below 0.00001; ExAC 0.00002.
gnomAD v4.1: 6 of 1,614,208 alleles (0.00037%); highest among the groups gnomAD compares: Admixed American, 0.01%; no homozygotes.

Submission:

Labcorp Genetics (formerly Invitae), Labcorp
Classification: Uncertain significance. Last evaluated: 2025-03-07. Review status: criteria provided, single submitter. Criteria: Invitae Variant Classification Sherloc (09022015). Collection method: clinical testing. Allele origin: germline.
Comment: This sequence change replaces glutamine, which is neutral and polar, with arginine, which is basic and polar, at codon 338 of the GGCX protein (p.Gln338Arg). This variant is present in population databases (rs767126491, gnomAD 0.02%). This variant has not been reported in the literature in individuals affected with GGCX-related conditions. ClinVar contains an entry for this variant (Variation ID: 2083351). Invitae Evidence Modeling of protein sequence and biophysical properties (such as structural, functional, and spatial information, amino acid conservation, physicochemical variation, residue mobility, and thermodynamic stability) indicates that this missense variant is not expected to disrupt GGCX protein function with a negative predictive value of 80%. In summary, the available evidence is currently insufficient to determine the role of this variant in disease. Therefore, it has been classified as a Variant of Uncertain Significance.

NM_000821.7(GGCX):c.1013A>G (p.Gln338Arg)

Gene: GGCX (gamma-glutamyl carboxylase; minus strand). Cytogenetic location: 2p11.2.
Variant type: single nucleotide variant.
Coding change: c.1013A>G on transcript NM_000821.7 (MANE Select); coding-DNA position 1013, A replaced by G.
Protein change: p.Gln338Arg; replaces glutamine 338 with arginine.
Molecular consequence: missense variant.
Genome position (GRCh38, 1-based): chr2:85,553,374, T>C on the plus strand (A>G on the coding strand, the complement: GGCX is on the minus strand). VCF-style: chr2-85553374-T-C. GRCh37 (hg19) VCF-style: chr2-85780497-T-C.
Other names: c.842A>G, p.Gln281Arg (NM_001142269.4); short protein forms Q281R, Q338R.
Identifiers: ClinVar variation 2083351 (VCV002083351.3), dbSNP rs767126491, ClinGen allele CA1741949.